The following is an entry in ClinVar:

ClinVar aggregate classification (germline): Conflicting classifications of pathogenicity. Review status: criteria provided, conflicting classifications (1 of 4 stars). 2 submissions from 2 submitters: Pathogenic (1); Uncertain significance (1). Last evaluated 2026-01-09.

Conditions:
Hereditary cancer-predisposing syndrome. Also called: Tumor predisposition; Hereditary Cancer Syndrome; Neoplastic Syndromes, Hereditary; Hereditary neoplastic syndrome. Identifiers: Orphanet 140162, MedGen C0027672, MeSH D009386, MONDO:0015356.

gnomAD v4.1: 14 of 1,614,122 alleles (0.00087%); highest among the groups gnomAD compares: Non-Finnish European, 0.0012%; no homozygotes.

Submissions (2):

Ambry Genetics
Classification: Uncertain significance for Hereditary cancer-predisposing syndrome. Last evaluated: 2026-01-09. Review status: criteria provided, single submitter. Criteria: Ambry Variant Classification Scheme 2023. Collection method: clinical testing. Allele origin: germline.
Comment: The p.E548* variant (also known as c.1642G>T), located in coding exon 15 of the POLE gene, results from a G to T substitution at nucleotide position 1642. This changes the amino acid from a glutamic acid to a stop codon within coding exon 15. This alteration is expected to result in loss of function by premature protein truncation or nonsense-mediated mRNA decay. Although biallelic loss of function of POLE has been associated with autosomal recessive POLE deficiency, haploinsufficiency of POLE has not been established as a mechanism of disease for POLE-related polymerase proofreading-associated polyposis (PPAP) and POLE-related CMMRD-like syndrome. Based on the supporting evidence, this variant is expected to be causative of POLE deficiency when present along with a second pathogenic variant on the other allele; however, its clinical significance for PPAP and POLE-related CMMRD-like syndrome is unclear.

Labcorp Genetics (formerly Invitae), Labcorp
Classification: Pathogenic. Last evaluated: 2024-07-19. Review status: criteria provided, single submitter. Criteria: Invitae Variant Classification Sherloc (09022015). Collection method: clinical testing. Allele origin: germline.
Comment: This sequence change creates a premature translational stop signal (p.Glu548*) in the POLE gene. It is expected to result in an absent or disrupted protein product. Loss-of-function variants in POLE are known to be pathogenic (PMID: 23230001, 25948378, 30503519). This variant is not present in population databases (gnomAD no frequency). This variant has not been reported in the literature in individuals affected with POLE-related conditions. ClinVar contains an entry for this variant (Variation ID: 484498). For these reasons, this variant has been classified as Pathogenic.

Literature cited by the submitters: PubMed 23230001 (cited by Labcorp Genetics (formerly Invitae), Labcorp); PubMed 25948378 (cited by Labcorp Genetics (formerly Invitae), Labcorp); PubMed 30503519 (cited by Labcorp Genetics (formerly Invitae), Labcorp).

NM_006231.4(POLE):c.1642G>T (p.Glu548Ter)

Gene: POLE (DNA polymerase epsilon, catalytic subunit; minus strand). Cytogenetic location: 12q24.33.
Variant type: single nucleotide variant.
Coding change: c.1642G>T on transcript NM_006231.4 (MANE Select); coding-DNA position 1642, G replaced by T.
Protein change: p.Glu548Ter; replaces glutamic acid 548 with a stop codon.
Molecular consequence: nonsense.
Genome position (GRCh38, 1-based): chr12:132,672,671, C>A on the plus strand (G>T on the coding strand, the complement: POLE is on the minus strand). VCF-style: chr12-132672671-C-A. GRCh37 (hg19) VCF-style: chr12-133249257-C-A.
Other names: short protein forms E548*.
Identifiers: ClinVar variation 484498 (VCV000484498.18), dbSNP rs908638591, ClinGen allele CA387356616.
Genomic context (GRCh38, chr12:132,672,671, plus strand): 5'-CAGGGAAGAAGCACACCATCCTAAACCGGCAAGGGATATCGCTGCGGAAAACCCCAGACT[C>A]GAGGGCCTCCACGTGGCCCCCGACGTAGGTCTCAGAGTCCAGCACGTGTCCGTCGTCCGT-3'